The following is an entry in ClinVar:

NM_025137.4(SPG11):c.3911T>C (p.Leu1304Pro)

Gene: SPG11 (SPG11 vesicle trafficking associated, spatacsin; minus strand). Cytogenetic location: 15q21.1.
Variant type: single nucleotide variant.
Coding change: c.3911T>C on transcript NM_025137.4 (MANE Select); coding-DNA position 3911, T replaced by C.
Protein change: p.Leu1304Pro; replaces leucine 1304 with proline.
Molecular consequence: missense variant.
Genome position (GRCh38, 1-based): chr15:44,598,355, A>G on the plus strand (T>C on the coding strand, the complement: SPG11 is on the minus strand). VCF-style: chr15-44598355-A-G. GRCh37 (hg19) VCF-style: chr15-44890553-A-G.
Other names: c.3911T>C, p.Leu1304Pro (NM_001160227.2, NM_001411132.1); short protein forms L1304P.
Identifiers: ClinVar variation 3602450 (VCV003602450.1).
Genomic context (GRCh38, chr15:44,598,355, plus strand): 5'-CATGTACCTTCTTCTAAGAGAACAAGCAATTCTTCTGTGGTTGTCTTTTCACCATCAGCT[A>G]GTTTAGATAGTTTTTCGGCTGTAAGAAATATAAACAACAAAATATGGTGAAGAGAAAAAG-3'
Protein context (NP_079413.3, residues 1294-1314): RESVAEKLSK[Leu1304Pro]ADGEKTTTEE

ClinVar aggregate classification (germline): Uncertain significance (1 of 4 stars; one submission).

gnomAD v4.1: 1 of 1,614,000 alleles (0.000062%); highest among the groups gnomAD compares: South Asian, 0.0011%; no homozygotes.

Submission:

GeneDx
Classification: Uncertain significance. Last evaluated: 2024-07-29. Review status: criteria provided, single submitter. Criteria: GeneDx Variant Classification Process June 2021. Collection method: clinical testing. Allele origin: germline. Affected: yes.
Comment: Not observed at significant frequency in large population cohorts (gnomAD); In silico analysis supports that this missense variant has a deleterious effect on protein structure/function; Has not been previously published as pathogenic or benign to our knowledge